The following is an entry in ClinVar:

ClinVar aggregate classification (germline): Uncertain significance. Review status: criteria provided, multiple submitters, no conflicts (2 of 4 stars). 2 submissions from 2 submitters: Uncertain significance (2). Last evaluated 2024-01-16.

Conditions:
Hereditary cancer-predisposing syndrome. Also called: Tumor predisposition; Neoplastic Syndromes, Hereditary; Hereditary Cancer Syndrome; Hereditary neoplastic syndrome. Identifiers: Orphanet 140162, MedGen C0027672, MeSH D009386, MONDO:0015356.
Ataxia-telangiectasia syndrome (AT). Also called: Ataxia-telangiectasia; LOUIS-BAR SYNDROME; Ataxia-telangiectasia, complementation group D; AT, COMPLEMENTATION GROUP C; ATAXIA-TELANGIECTASIA, COMPLEMENTATION GROUP A; ATAXIA-TELANGIECTASIA, FRESNO VARIANT. Identifiers: Orphanet 100, MedGen C0004135, MONDO:0008840, OMIM 208900.

gnomAD v4.1: 1 of 1,614,132 alleles (0.000062%); highest among the groups gnomAD compares: Non-Finnish European, 0.000085%; no homozygotes.

Submissions (2):

Ambry Genetics
Classification: Uncertain significance for Hereditary cancer-predisposing syndrome. Last evaluated: 2024-01-16. Review status: criteria provided, single submitter. Criteria: Ambry Variant Classification Scheme 2023. Collection method: clinical testing. Allele origin: germline.
Comment: The p.V2441G variant (also known as c.7322T>G), located in coding exon 49 of the ATM gene, results from a T to G substitution at nucleotide position 7322. The valine at codon 2441 is replaced by glycine, an amino acid with dissimilar properties. This amino acid position is highly conserved in available vertebrate species. In addition, this alteration is predicted to be deleterious by in silico analysis. Since supporting evidence is limited at this time, the clinical significance of this alteration remains unclear.

Labcorp Genetics (formerly Invitae), Labcorp
Classification: Uncertain significance for Ataxia-telangiectasia syndrome. Last evaluated: 2021-10-28. Review status: criteria provided, single submitter. Criteria: Invitae Variant Classification Sherloc (09022015). Collection method: clinical testing. Allele origin: germline.
Comment: This sequence change replaces valine, which is neutral and non-polar, with glycine, which is neutral and non-polar, at codon 2441 of the ATM protein (p.Val2441Gly). This variant is not present in population databases (gnomAD no frequency). This variant has not been reported in the literature in individuals affected with ATM-related conditions. Advanced modeling of protein sequence and biophysical properties (such as structural, functional, and spatial information, amino acid conservation, physicochemical variation, residue mobility, and thermodynamic stability) performed at Invitae indicates that this missense variant is expected to disrupt ATM protein function. Algorithms developed to predict the effect of sequence changes on RNA splicing suggest that this variant may create or strengthen a splice site. In summary, the available evidence is currently insufficient to determine the role of this variant in disease. Therefore, it has been classified as a Variant of Uncertain Significance.

NM_000051.4(ATM):c.7322T>G (p.Val2441Gly)

Genes: ATM (ATM serine/threonine kinase; plus strand), C11orf65 (chromosome 11 open reading frame 65; minus strand). Cytogenetic location: 11q22.3.
Variant type: single nucleotide variant.
Coding change: c.7322T>G on transcript NM_000051.4 (MANE Select); coding-DNA position 7322, T replaced by G.
Protein change: p.Val2441Gly; replaces valine 2441 with glycine.
Molecular consequence: missense variant. On other transcripts: intron variant (2).
Genome position (GRCh38, 1-based): chr11:108,330,228, T>G. VCF-style: chr11-108330228-T-G. GRCh37 (hg19) VCF-style: chr11-108200955-T-G.
Other names: c.7322T>G, p.Val2441Gly (NM_001351834.2); c.641-21157A>C (NM_001330368.2); c.*38+4992A>C (NM_001351110.2); short protein forms V2441G.
Identifiers: ClinVar variation 1370330 (VCV001370330.7), dbSNP rs765548443, ClinGen allele CA382559887.
Genomic context (GRCh38, chr11:108,330,228, plus strand): 5'-TTAAAGTTCATGGCTTTTGTGTTTTACCTTAATTATTCTATGCAAGATACACAGTAAAGG[T>G]TCAGCGAGAGCTGGAGTTGGATGAATTAGCCCTGCGTGCACTGAAAGAGGATCGTAAACG-3'
Protein context (NP_000042.3, residues 2431-2451): KIQTNRYTVK[Val2441Gly]QRELELDELA